The following is an entry in ClinVar:

NM_007194.4(CHEK2):c.1260-20CT[2]

Gene: CHEK2 (checkpoint kinase 2; minus strand). Cytogenetic location: 22q12.1.
Variant type: Microsatellite.
Coding change: c.1260-20CT[2] on transcript NM_007194.4 (MANE Select); two copies in a row of the 2-base unit CT starting at c.1260-20; the reference has four copies in a row; two copies, 4 bases deleted.
Molecular consequence: intron variant.
Genome position (GRCh38, 1-based): chr22:28,695,255-28,695,258, AGAG deleted on the plus strand (CTCT on the coding strand, the reverse complement: CHEK2 is on the minus strand); deleting any 4 consecutive bases within chr22:28,695,255-28,695,263 gives the same sequence; the position shown is the placement nearest the transcript's 3' end. VCF-style (leftmost placement, unchanged base first): chr22-28695254-TAGAG-T. GRCh37 (hg19) VCF-style: chr22-29091242-TAGAG-T.
Other names: c.597-20CT[2] (NM_001437942.1, NM_001257387.3); c.1059-20CT[2] (NM_001349956.3); c.1173-20CT[2] (NM_145862.3); c.1266-20CT[2] (NM_001438295.1); c.1353-20CT[2] (NM_001438293.1); c.1302-20CT[2] (NM_001438294.1); c.1389-20CT[2] (NM_001005735.3).
Identifiers: ClinVar variation 3773411 (VCV003773411.1).

ClinVar aggregate classification (germline): Likely benign (1 of 4 stars; one submission).

Conditions:
Familial cancer of breast. Also called: Hereditary breast cancer; BREAST CANCER, FAMILIAL; hereditary breast carcinoma. Identifiers: Orphanet 227535, MedGen C0346153, MONDO:0016419, OMIM 114480. Disease mechanism: loss of function.

Submission:

Myriad Genetics, Inc.
Classification: Likely benign for Familial cancer of breast. Last evaluated: 2024-10-07. Review status: criteria provided, single submitter. Criteria: Myriad Autosomal Dominant, Autosomal Recessive and X-Linked Classification Criteria (2023). Collection method: clinical testing. Allele origin: unknown.
Comment: This variant is considered likely benign. This variant is intronic and is not expected to impact mRNA splicing.